The following is an entry in ClinVar:

ClinVar aggregate classification (germline): Uncertain significance. Review status: criteria provided, multiple submitters, no conflicts (2 of 4 stars). 3 submissions from 3 submitters: Uncertain significance (3). Last evaluated 2025-09-23.

Conditions:
Cardiac arrhythmia. Also called: Cardiac rhythm disease; Arrhythmia. Identifiers: MedGen C0003811, MONDO:0007263, HP:0011675.
Long QT syndrome (LQTS). Identifiers: MedGen C0023976, MeSH D008133, MONDO:0002442. Disease mechanism: loss of function. Inheritance: Various modes of inheritance.
Cardiovascular phenotype. Identifiers: MedGen CN230736.

Allele frequency attached by ClinVar (database versions not stated): gnomAD exomes below 0.00001.
gnomAD v4.1: 2 of 1,614,220 alleles (0.00012%); highest among the groups gnomAD compares: Non-Finnish European, 0.00017%; no homozygotes.

Submissions (3):

Color Diagnostics, LLC DBA Color Health
Classification: Uncertain significance for Cardiac arrhythmia. Last evaluated: 2025-09-23. Review status: criteria provided, single submitter. Criteria: ACMG Guidelines, 2015. Collection method: clinical testing. Allele origin: germline.
Comment: This missense variant replaces arginine with glutamine at codon 681 of the KCNH2 protein. Computational prediction is inconclusive regarding the impact of this variant on protein structure and function. To our knowledge, functional studies have not been reported for this variant. This variant has not been reported in individuals affected with KCNH2-related disorders in the literature. This variant has not been identified in the general population by the Genome Aggregation Database (gnomAD). The available evidence is insufficient to determine the role of this variant in disease conclusively. Therefore, this variant is classified as a Variant of Uncertain Significance.

Ambry Genetics
Classification: Uncertain significance for Cardiovascular phenotype. Last evaluated: 2025-07-11. Review status: criteria provided, single submitter. Criteria: Ambry Variant Classification Scheme 2023. Collection method: clinical testing. Allele origin: germline.
Comment: The p.R681Q variant (also known as c.2042G>A), located in coding exon 8 of the KCNH2 gene, results from a G to A substitution at nucleotide position 2042. The arginine at codon 681 is replaced by glutamine, an amino acid with highly similar properties. This amino acid position is not well conserved in available vertebrate species. In addition, this alteration is predicted to be deleterious by in silico analysis. Based on the available evidence, the clinical significance of this variant remains unclear.

Labcorp Genetics (formerly Invitae), Labcorp
Classification: Uncertain significance for Long QT syndrome. Last evaluated: 2024-09-30. Review status: criteria provided, single submitter. Criteria: Invitae Variant Classification Sherloc (09022015). Collection method: clinical testing. Allele origin: germline.
Comment: This sequence change replaces arginine, which is basic and polar, with glutamine, which is neutral and polar, at codon 681 of the KCNH2 protein (p.Arg681Gln). This variant is not present in population databases (gnomAD no frequency). This variant has not been reported in the literature in individuals affected with KCNH2-related conditions. ClinVar contains an entry for this variant (Variation ID: 957302). An algorithm developed to predict the effect of missense changes on protein structure and function (PolyPhen-2) suggests that this variant is likely to be disruptive. In summary, the available evidence is currently insufficient to determine the role of this variant in disease. Therefore, it has been classified as a Variant of Uncertain Significance.

NM_000238.4(KCNH2):c.2042G>A (p.Arg681Gln)

Gene: KCNH2 (potassium voltage-gated channel subfamily H member 2; minus strand). Cytogenetic location: 7q36.1.
Variant type: single nucleotide variant.
Coding change: c.2042G>A on transcript NM_000238.4 (MANE Select); coding-DNA position 2042, G replaced by A.
Protein change: p.Arg681Gln; replaces arginine 681 with glutamine.
Molecular consequence: missense variant.
Genome position (GRCh38, 1-based): chr7:150,951,024, C>T on the plus strand (G>A on the coding strand, the complement: KCNH2 is on the minus strand). VCF-style: chr7-150951024-C-T. GRCh37 (hg19) VCF-style: chr7-150648112-C-T.
Other names: c.1022G>A, p.Arg341Gln (NM_001204798.2, NM_172057.3); c.1754G>A, p.Arg585Gln (NM_001406753.1, NM_001406756.1); c.1865G>A, p.Arg622Gln (NM_001406755.1); c.1742G>A, p.Arg581Gln (NM_001406757.1); c.2042G>A, p.Arg681Gln (NM_172056.3); short protein forms R341Q, R681Q, R622Q, R581Q, R585Q.
Identifiers: ClinVar variation 957302 (VCV000957302.11), dbSNP rs1801131066, ClinGen allele CA369857600.
Genomic context (GRCh38, chr7:150,951,024, plus strand): 5'-AAGTACTCCTCGAGGCGCTGGCGCAGGGGATTGGGGATCTGGTGGAAGCGGATGAACTCC[C>T]GCACCCGCAGCATCTGTGTGTGGTAGCGGGCTGTGCCCGAGTACAGCCGCTGGATGATGG-3'
Protein context (NP_000229.1, residues 671-691): ARYHTQMLRV[Arg681Gln]EFIRFHQIPN